The following is an entry in ClinVar:

NC_000005.9:g.(?_79974726)_(80024804_?)del

Gene: MSH3 (mutS homolog 3; plus strand). Cytogenetic location: 5q14.1.
Variant type: Deletion.
Identifiers: ClinVar variation 3246491 (VCV003246491.1).

ClinVar aggregate classification (germline): Pathogenic (1 of 4 stars; one submission).

Submission:

Labcorp Genetics (formerly Invitae), Labcorp
Classification: Pathogenic. Last evaluated: 2023-01-19. Review status: criteria provided, single submitter. Criteria: Invitae Variant Classification Sherloc (09022015). Collection method: clinical testing. Allele origin: unknown.
Comment: For these reasons, this variant has been classified as Pathogenic. This variant has not been reported in the literature in individuals affected with MSH3-related conditions. This variant is a gross deletion of the genomic region encompassing exon(s) 8-10 of the MSH3 gene. This deletion is out-of-frame, and is expected to create a premature termination codon and result in an absent or disrupted protein product. Loss-of-function variants in MSH3 are known to be pathogenic (PMID: 27476653).

Literature cited by the submitters: PubMed 27476653.